The following is an entry in ClinVar:

NM_020207.7(ERCC6L2):c.506A>T (p.Lys169Met)

Gene: ERCC6L2 (ERCC excision repair 6 like 2; plus strand). Cytogenetic location: 9q22.32.
Variant type: single nucleotide variant.
Coding change: c.506A>T on transcript NM_020207.7 (MANE Select); coding-DNA position 506, A replaced by T.
Protein change: p.Lys169Met; replaces lysine 169 with methionine.
Molecular consequence: missense variant. On other transcripts: non-coding transcript variant (1).
Genome position (GRCh38, 1-based): chr9:95,897,883, A>T. VCF-style: chr9-95897883-A-T. GRCh37 (hg19) VCF-style: chr9-98660165-A-T.
Other names: c.506A>T, p.Lys169Met (NM_001010895.4, NM_001375291.1, NM_001375292.1 and 2 more transcripts); short protein forms K169M.
Identifiers: ClinVar variation 3845803 (VCV003845803.1).

ClinVar aggregate classification (germline): Uncertain significance (1 of 4 stars; one submission).

Conditions:
Inborn genetic diseases. Identifiers: MedGen C0950123, MeSH D030342.

gnomAD v4.1: 15 of 1,612,656 alleles (0.00093%); highest among the groups gnomAD compares: Non-Finnish European, 0.0013%; no homozygotes.

Submission:

Ambry Genetics
Classification: Uncertain significance for Inborn genetic diseases. Last evaluated: 2024-12-17. Review status: criteria provided, single submitter. Criteria: Ambry Variant Classification Scheme 2023. Collection method: clinical testing. Allele origin: germline.
Comment: The p.K169M variant (also known as c.506A>T), located in coding exon 3 of the ERCC6L2 gene, results from an A to T substitution at nucleotide position 506. The lysine at codon 169 is replaced by methionine, an amino acid with similar properties. This amino acid position is conserved. In addition, the in silico prediction for this alteration is inconclusive. Based on the available evidence, the clinical significance of this variant remains unclear.